The following is an entry in ClinVar:

NM_000143.4(FH):c.955G>A (p.Asp319Asn)

Gene: FH (fumarate hydratase; minus strand). Cytogenetic location: 1q43.
Variant type: single nucleotide variant.
Coding change: c.955G>A on transcript NM_000143.4 (MANE Select); coding-DNA position 955, G replaced by A.
Protein change: p.Asp319Asn; replaces aspartic acid 319 with asparagine.
Molecular consequence: missense variant.
Genome position (GRCh38, 1-based): chr1:241,504,195, C>T on the plus strand (G>A on the coding strand, the complement: FH is on the minus strand). VCF-style: chr1-241504195-C-T. GRCh37 (hg19) VCF-style: chr1-241667495-C-T.
Other names: short protein forms D319N.
Identifiers: ClinVar variation 2203013 (VCV002203013.6), dbSNP rs2527319648, ClinGen allele CA345438339.
Genomic context (GRCh38, chr1:241,504,195, plus strand): 5'-CTATCTTCATCAGACTGCAGGCAGTAGTGTTCATGGCTCCACTGAGCTCAACCAGAGCGT[C>T]ATGAGCAGCCAGAGCTTCAAATTTATTCGGAGCAGTGACAAAAGGCAAGCCTAAAGAAAA-3'
Protein context (NP_000134.2, residues 309-329): PNKFEALAAH[Asp319Asn]ALVELSGAMN

ClinVar aggregate classification (germline): Conflicting classifications of pathogenicity. Review status: criteria provided, conflicting classifications (1 of 4 stars). 2 submissions from 2 submitters: Likely pathogenic (1); Uncertain significance (1). Last evaluated 2026-07-22.

Conditions:
Hereditary cancer-predisposing syndrome. Also called: Neoplastic Syndromes, Hereditary; Tumor predisposition; Hereditary neoplastic syndrome; Hereditary Cancer Syndrome. Identifiers: Orphanet 140162, MedGen C0027672, MeSH D009386, MONDO:0015356.

Submissions (2):

Ambry Genetics
Classification: Likely pathogenic for Hereditary cancer-predisposing syndrome. Last evaluated: 2026-07-22. Review status: criteria provided, single submitter. Criteria: Ambry Variant Classification Scheme 2023. Collection method: clinical testing. Allele origin: germline.
Comment: The p.D319N variant (also known as c.955G>A), located in coding exon 7 of the FH gene, results from a G to A substitution at nucleotide position 955. The aspartic acid at codon 319 is replaced by asparagine, an amino acid with highly similar properties. This variant has been observed in at least one individual with a personal and/or family history that is consistent with hereditary leiomyomatosis and renal cell carcinoma (Ambry internal data). This variant was detected in at least one individual with a tumor that showed evidence of FH-deficiency (Ambry internal data). This alteration was demonstrated to result in reduced FH enzymatic activity (Muller M et al. Clin Genet, 2017 Dec;92:606-615). This amino acid position is highly conserved in available vertebrate species. In addition, this alteration is predicted to be deleterious by in silico analysis. Based on the majority of available evidence to date, this variant is likely to be pathogenic.

Labcorp Genetics (formerly Invitae), Labcorp
Classification: Uncertain significance. Last evaluated: 2022-02-24. Review status: criteria provided, single submitter. Criteria: Invitae Variant Classification Sherloc (09022015). Collection method: clinical testing. Allele origin: germline.
Comment: In summary, the available evidence is currently insufficient to determine the role of this variant in disease. Therefore, it has been classified as a Variant of Uncertain Significance. Experimental studies have shown that this missense change affects FH function (PMID: 28300276). Advanced modeling of protein sequence and biophysical properties (such as structural, functional, and spatial information, amino acid conservation, physicochemical variation, residue mobility, and thermodynamic stability) performed at Invitae indicates that this missense variant is expected to disrupt FH protein function. This missense change has been observed in individual(s) with clinical features of hereditary leiomyomatosis and renal cell cancer (PMID: 28300276). This variant is not present in population databases (gnomAD no frequency). This sequence change replaces aspartic acid, which is acidic and polar, with asparagine, which is neutral and polar, at codon 319 of the FH protein (p.Asp319Asn).

Literature cited by the submitters: PubMed 28300276 (cited by Ambry Genetics and Labcorp Genetics (formerly Invitae), Labcorp).